The following is an entry in ClinVar:

ClinVar aggregate classification (germline): Uncertain significance (1 of 4 stars; one submission).

Conditions:
Craniosynostosis 2 (CRS2). Also called: Craniosynostosis Warman type; Craniosynostosis Boston type; Warman-Mulliken-Hayward syndrome. Identifiers: Orphanet 1541, MedGen C1858160, MONDO:0011481, OMIM 604757.

Submission:

MVZ Medizinische Genetik Mainz
Classification: Uncertain significance for Craniosynostosis 2. Last evaluated: 2022-09-12. Review status: criteria provided, single submitter. Criteria: UK Practice Guidelines For Variant Classification V4 01 2020. Collection method: clinical testing. Allele origin: germline. Inheritance: Autosomal dominant inheritance. Affected: yes. Observed: 1 variant allele.
Comment: ACMG Criteria: PM4, PM2_SUP, PP3 (ACMG Version 4)

NM_002449.5(MSX2):c.764_772del (p.Tyr255_Pro258delinsSer)

Gene: MSX2 (msh homeobox 2; plus strand). Cytogenetic location: 5q35.2.
Variant type: Deletion.
Coding change: c.764_772del on transcript NM_002449.5 (MANE Select); coding-DNA positions 764 to 772, 9 bases deleted (ATGCCACGC; older notation c.764_772delATGCCACGC).
Protein change: p.Tyr255_Pro258delinsSer.
Molecular consequence: inframe indel. On other transcripts: 3 prime UTR variant (1).
Genome position (GRCh38, 1-based): chr5:174,729,543-174,729,551, ATGCCACGC deleted. VCF-style (leftmost placement, unchanged base first): chr5-174729542-TATGCCACGC-T. GRCh37 (hg19) VCF-style: chr5-174156545-TATGCCACGC-T.
Other names: c.*388_*396del (NM_001363626.2).
Identifiers: ClinVar variation 3234015 (VCV003234015.1), dbSNP rs2480603819, ClinGen allele CA2825001429.